The following is an entry in ClinVar:

ClinVar aggregate classification (germline): Uncertain significance (1 of 4 stars; one submission).

Submission:

Labcorp Genetics (formerly Invitae), Labcorp
Classification: Uncertain significance. Last evaluated: 2026-01-18. Review status: criteria provided, single submitter. Criteria: Invitae Variant Classification Sherloc (09022015). Collection method: clinical testing. Allele origin: germline.
Comment: This sequence change replaces leucine, which is neutral and non-polar, with isoleucine, which is neutral and non-polar, at codon 256 of the GATAD2B protein (p.Leu256Ile). This variant is not present in population databases (gnomAD no frequency). This variant has not been reported in the literature in individuals affected with GATAD2B-related conditions. Invitae Evidence Modeling of protein sequence and biophysical properties (such as structural, functional, and spatial information, amino acid conservation, physicochemical variation, residue mobility, and thermodynamic stability) indicates that this missense variant is not expected to disrupt GATAD2B protein function with a negative predictive value of 80%. In summary, the available evidence is currently insufficient to determine the role of this variant in disease. Therefore, it has been classified as a Variant of Uncertain Significance.

NM_020699.4(GATAD2B):c.766C>A (p.Leu256Ile)

Gene: GATAD2B (GATA zinc finger domain containing 2B; minus strand). Cytogenetic location: 1q21.3.
Variant type: single nucleotide variant.
Coding change: c.766C>A on transcript NM_020699.4 (MANE Select); coding-DNA position 766, C replaced by A.
Protein change: p.Leu256Ile; replaces leucine 256 with isoleucine.
Molecular consequence: missense variant.
Genome position (GRCh38, 1-based): chr1:153,817,506, G>T on the plus strand (C>A on the coding strand, the complement: GATAD2B is on the minus strand). VCF-style: chr1-153817506-G-T. GRCh37 (hg19) VCF-style: chr1-153789982-G-T.
Other names: short protein forms L256I.
Identifiers: ClinVar variation 4777035 (VCV004777035.1).